The following is an entry in ClinVar:

ClinVar aggregate classification (germline): Uncertain significance (1 of 4 stars; one submission).

Submission:

Labcorp Genetics (formerly Invitae), Labcorp
Classification: Uncertain significance. Last evaluated: 2022-03-18. Review status: criteria provided, single submitter. Criteria: Invitae Variant Classification Sherloc (09022015). Collection method: clinical testing. Allele origin: germline.
Comment: In summary, the available evidence is currently insufficient to determine the role of this variant in disease. Therefore, it has been classified as a Variant of Uncertain Significance. This sequence change replaces glutamic acid, which is acidic and polar, with glutamine, which is neutral and polar, at codon 487 of the ASNS protein (p.Glu487Gln). This variant is not present in population databases (gnomAD no frequency). This variant has not been reported in the literature in individuals affected with ASNS-related conditions. Advanced modeling of protein sequence and biophysical properties (such as structural, functional, and spatial information, amino acid conservation, physicochemical variation, residue mobility, and thermodynamic stability) performed at Invitae indicates that this missense variant is expected to disrupt ASNS protein function.

NM_001673.5(ASNS):c.1459G>C (p.Glu487Gln)

Genes: ASNS (asparagine synthetase (glutamine-hydrolyzing); minus strand), CZ1P-ASNS (CZ1P-ASNS readthrough; minus strand). Cytogenetic location: 7q21.3.
Variant type: single nucleotide variant.
Coding change: c.1459G>C on transcript NM_001673.5 (MANE Select); coding-DNA position 1459, G replaced by C.
Protein change: p.Glu487Gln; replaces glutamic acid 487 with glutamine.
Molecular consequence: missense variant. On other transcripts: non-coding transcript variant (1).
Genome position (GRCh38, 1-based): chr7:97,853,077, C>G on the plus strand (G>C on the coding strand, the complement: ASNS is on the minus strand). VCF-style: chr7-97853077-C-G. GRCh37 (hg19) VCF-style: chr7-97482389-C-G.
Other names: c.1396G>C, p.Glu466Gln (NM_001178075.2); c.1210G>C, p.Glu404Gln (NM_001178076.2, NM_001178077.1); c.1459G>C, p.Glu487Gln (NM_001352496.2, NM_133436.3, NM_183356.4); short protein forms E404Q, E466Q, E487Q.
Identifiers: ClinVar variation 1422395 (VCV001422395.6), dbSNP rs2115590472, ClinGen allele CA368264457.
Genomic context (GRCh38, chr7:97,853,077, plus strand): 5'-CCAAACTGTCTTATTCCTGAAAATGTTTTTAAAGACATTATACCTGATGTTCAACGTATT[C>G]CTGTAAAATCTTAAACCAGGAATTCTTAACTGAAGTTATTCCATCACTGAAGGCTTCTTT-3'
Protein context (NP_001664.3, residues 477-497): VKNSWFKILQ[Glu487Gln]YVEHQVDDAM